The following is an entry in ClinVar:

ClinVar aggregate classification (germline): Uncertain significance (1 of 4 stars; one submission).

Conditions:
Naxos disease (NXD). Also called: KERATOSIS PALMOPLANTARIS WITH ARRHYTHMOGENIC CARDIOMYOPATHY; MAL DE NAXOS; PALMOPLANTAR KERATODERMA WITH ARRHYTHMOGENIC RIGHT VENTRICULAR CARDIOMYOPATHY AND WOOLLY HAIR; WOOLLY HAIR, PALMOPLANTAR KERATODERMA, AND CARDIAC ABNORMALITIES; CARDIOMYOPATHY, ARRHYTHMOGENIC RIGHT VENTRICULAR, WITH SKIN, HAIR, AND NAIL ABNORMALITIES. Identifiers: Orphanet 34217, MedGen C1832600, MONDO:0011017, OMIM 601214.
Arrhythmogenic right ventricular dysplasia 12. Also called: ARRHYTHMOGENIC RIGHT VENTRICULAR DYSPLASIA, FAMILIAL, 12. Identifiers: MedGen C1969081, MONDO:0012684, OMIM 611528.

gnomAD v4.1: 1 of 1,607,436 alleles (0.000062%); highest among the groups gnomAD compares: Admixed American, 0.0017%; no homozygotes.

Submission:

Labcorp Genetics (formerly Invitae), Labcorp
Classification: Uncertain significance for Arrhythmogenic right ventricular dysplasia 12; Naxos disease. Last evaluated: 2024-07-20. Review status: criteria provided, single submitter. Criteria: Invitae Variant Classification Sherloc (09022015). Collection method: clinical testing. Allele origin: germline.
Comment: This sequence change replaces glutamine, which is neutral and polar, with arginine, which is basic and polar, at codon 105 of the JUP protein (p.Gln105Arg). The frequency data for this variant in the population databases is considered unreliable, as metrics indicate poor data quality at this position in the gnomAD database. This variant has not been reported in the literature in individuals affected with JUP-related conditions. An algorithm developed to predict the effect of missense changes on protein structure and function (PolyPhen-2) suggests that this variant is likely to be tolerated. In summary, the available evidence is currently insufficient to determine the role of this variant in disease. Therefore, it has been classified as a Variant of Uncertain Significance.

NM_002230.4(JUP):c.314A>G (p.Gln105Arg)

Gene: JUP (junction plakoglobin; minus strand). Cytogenetic location: 17q21.2.
Variant type: single nucleotide variant.
Coding change: c.314A>G on transcript NM_002230.4 (MANE Select); coding-DNA position 314, A replaced by G.
Protein change: p.Gln105Arg; replaces glutamine 105 with arginine.
Molecular consequence: missense variant.
Genome position (GRCh38, 1-based): chr17:41,769,572, T>C on the plus strand (A>G on the coding strand, the complement: JUP is on the minus strand). VCF-style: chr17-41769572-T-C. GRCh37 (hg19) VCF-style: chr17-39925824-T-C.
Other names: c.314A>G, p.Gln105Arg (NM_001352773.2, NM_001352774.2, NM_001352775.2 and 3 more transcripts); short protein forms Q105R.
Identifiers: ClinVar variation 3757317 (VCV003757317.2).